The following is an entry in ClinVar:

ClinVar aggregate classification (germline): Uncertain significance. Review status: criteria provided, multiple submitters, no conflicts (2 of 4 stars). 2 submissions from 2 submitters: Uncertain significance (2). Last evaluated 2025-08-04.

Conditions:
Emery-Dreifuss muscular dystrophy 4, autosomal dominant (EDMD4). Also called: EMERY-DREIFUSS MUSCULAR DYSTROPHY 4 WITH VARIABLE FEATURES. Identifiers: Orphanet 261, MedGen C2751807, MONDO:0013071, OMIM 612998.
Autosomal recessive ataxia, Beauce type. Also called: ATAXIA, RECESSIVE, OF BEAUCE; SYNE1-Related Autosomal Recessive Cerebellar Ataxia; Spinocerebellar ataxia, autosomal recessive 8; SYNE1 Deficiency. Identifiers: Orphanet 88644, MedGen C1853116, MONDO:0012549, OMIM 610743.

Allele frequency attached by ClinVar (database versions not stated): ExAC 0.00001.
gnomAD v4.1: 4 of 1,614,040 alleles (0.00025%); highest among the groups gnomAD compares: Middle Eastern, 0.017%; no homozygotes.

Submissions (2):

Dasa
Classification: Uncertain significance. Last evaluated: 2025-08-04. Review status: criteria provided, single submitter. Criteria: DASA Assertion Criteria. Collection method: clinical testing. Allele origin: germline.
Comment: NM_182961.4(SYNE1):c.2204T>C (p.Leu735Ser) is a missense variant that results in the substitution of leucine with serine. This variant is rare in population databases. Computational prediction algorithms are consistent with a benign effect. The currently available literature and clinical evidence are not sufficient to establish a definitive association between this variant and the reported condition. Therefore, this variant is classified as a variant of uncertain significance.

Labcorp Genetics (formerly Invitae), Labcorp
Classification: Uncertain significance for Emery-Dreifuss muscular dystrophy 4, autosomal dominant; Autosomal recessive ataxia, Beauce type. Last evaluated: 2023-04-24. Review status: criteria provided, single submitter. Criteria: Invitae Variant Classification Sherloc (09022015). Collection method: clinical testing. Allele origin: germline.
Comment: This sequence change replaces leucine, which is neutral and non-polar, with serine, which is neutral and polar, at codon 742 of the SYNE1 protein (p.Leu742Ser). This variant is present in population databases (rs770278825, gnomAD 0.0009%). This variant has not been reported in the literature in individuals affected with SYNE1-related conditions. ClinVar contains an entry for this variant (Variation ID: 2203270). An algorithm developed to predict the effect of missense changes on protein structure and function (PolyPhen-2) suggests that this variant is likely to be disruptive. In summary, the available evidence is currently insufficient to determine the role of this variant in disease. Therefore, it has been classified as a Variant of Uncertain Significance.

NM_182961.4(SYNE1):c.2204T>C (p.Leu735Ser)

Gene: SYNE1 (spectrin repeat containing nuclear envelope protein 1; minus strand). Cytogenetic location: 6q25.2.
Variant type: single nucleotide variant.
Coding change: c.2204T>C on transcript NM_182961.4 (MANE Select); coding-DNA position 2204, T replaced by C.
Protein change: p.Leu735Ser; replaces leucine 735 with serine.
Molecular consequence: missense variant.
Genome position (GRCh38, 1-based): chr6:152,462,784, A>G on the plus strand (T>C on the coding strand, the complement: SYNE1 is on the minus strand). VCF-style: chr6-152462784-A-G. GRCh37 (hg19) VCF-style: chr6-152783919-A-G.
Other names: c.2225T>C, p.Leu742Ser (NM_033071.5); short protein forms L735S, L742S.
Identifiers: ClinVar variation 2203270 (VCV002203270.6), dbSNP rs770278825, ClinGen allele CA4059199.
Genomic context (GRCh38, chr6:152,462,784, plus strand): 5'-CAGAAACCCCTCACCTCCAAGTCTTGAATTAATAGCTTGACATTCATAAAAGAGACTTCT[A>G]AGGGTTCAGAAAGTTTCTTATGGGCTTCCGTTGCAAAAGCAGACAGGGTAACAACACAGT-3'
Protein context (NP_892006.3, residues 725-745): TEAHKKLSEP[Leu735Ser]EVSFMNVKLL